The following is an entry in ClinVar:

ClinVar aggregate classification (germline): Uncertain significance (1 of 4 stars; one submission).

Conditions:
Bardet-Biedl syndrome (BBS). Identifiers: Orphanet 110, MedGen C0752166, MONDO:0015229.

Submission:

Labcorp Genetics (formerly Invitae), Labcorp
Classification: Uncertain significance for Bardet-Biedl syndrome. Last evaluated: 2026-01-13. Review status: criteria provided, single submitter. Criteria: Invitae Variant Classification Sherloc (09022015). Collection method: clinical testing. Allele origin: germline.
Comment: This sequence change replaces arginine, which is basic and polar, with lysine, which is basic and polar, at codon 227 of the TTC8 protein (p.Arg227Lys). This variant also falls at the last nucleotide of exon 8, which is part of the consensus splice site for this exon. This variant is not present in population databases (gnomAD no frequency). This variant has not been reported in the literature in individuals affected with TTC8-related conditions. An algorithm developed to predict the effect of missense changes on protein structure and function (PolyPhen-2) suggests that this variant is likely to be tolerated. Variants that disrupt the consensus splice site are a relatively common cause of aberrant splicing (PMID: 17576681, 9536098). Algorithms developed to predict the effect of sequence changes on RNA splicing suggest that this variant may disrupt the consensus splice site. In summary, the available evidence is currently insufficient to determine the role of this variant in disease. Therefore, it has been classified as a Variant of Uncertain Significance.

Literature cited by the submitters: PubMed 17576681; PubMed 9536098.

NM_144596.4(TTC8):c.710G>A (p.Arg237Lys)

Gene: TTC8 (tetratricopeptide repeat domain 8; plus strand). Cytogenetic location: 14q31.3.
Variant type: single nucleotide variant.
Coding change: c.710G>A on transcript NM_144596.4 (MANE Select); coding-DNA position 710, G replaced by A.
Protein change: p.Arg237Lys; replaces arginine 237 with lysine.
Molecular consequence: missense variant. On other transcripts: 5 prime UTR variant (1), non-coding transcript variant (1).
Genome position (GRCh38, 1-based): chr14:88,853,056, G>A. VCF-style: chr14-88853056-G-A. GRCh37 (hg19) VCF-style: chr14-89319400-G-A.
Other names: c.758G>A, p.Arg253Lys (NM_001288781.1); c.116G>A, p.Arg39Lys (NM_001288782.1); c.-8G>A (NM_001288783.1); c.680G>A, p.Arg227Lys (NM_001366535.2, NM_198309.3); c.590G>A, p.Arg197Lys (NM_001366536.2, NM_198310.3); short protein forms R227K, R39K, R197K, R237K, R253K.
Identifiers: ClinVar variation 4735353 (VCV004735353.1).